The following is an entry in ClinVar:

ClinVar aggregate classification (germline): Uncertain significance (1 of 4 stars; one submission).

Conditions:
Charcot-Marie-Tooth disease axonal type 2O. Also called: Charcot-Marie-Tooth disease, axonal, type 20; CHARCOT-MARIE-TOOTH NEUROPATHY, AXONAL, TYPE 2O; CHARCOT-MARIE-TOOTH DISEASE, AXONAL, AUTOSOMAL DOMINANT, TYPE 2O; Charcot-Marie-Tooth Neuropathy Type 2O. Identifiers: Orphanet 284232, MedGen C3280220, MONDO:0013644, OMIM 614228.

Submission:

Labcorp Genetics (formerly Invitae), Labcorp
Classification: Uncertain significance for Charcot-Marie-Tooth disease axonal type 2O. Last evaluated: 2024-06-26. Review status: criteria provided, single submitter. Criteria: Invitae Variant Classification Sherloc (09022015). Collection method: clinical testing. Allele origin: germline.
Comment: This sequence change replaces threonine, which is neutral and polar, with alanine, which is neutral and non-polar, at codon 4450 of the DYNC1H1 protein (p.Thr4450Ala). This variant is not present in population databases (gnomAD no frequency). This variant has not been reported in the literature in individuals affected with DYNC1H1-related conditions. Advanced modeling of protein sequence and biophysical properties (such as structural, functional, and spatial information, amino acid conservation, physicochemical variation, residue mobility, and thermodynamic stability) performed at Invitae indicates that this missense variant is not expected to disrupt DYNC1H1 protein function with a negative predictive value of 95%. In summary, the available evidence is currently insufficient to determine the role of this variant in disease. Therefore, it has been classified as a Variant of Uncertain Significance.

NM_001376.5(DYNC1H1):c.13348A>G (p.Thr4450Ala)

Gene: DYNC1H1 (dynein cytoplasmic 1 heavy chain 1; plus strand). Cytogenetic location: 14q32.31.
Variant type: single nucleotide variant.
Coding change: c.13348A>G on transcript NM_001376.5 (MANE Select); coding-DNA position 13348, A replaced by G.
Protein change: p.Thr4450Ala; replaces threonine 4450 with alanine.
Molecular consequence: missense variant.
Genome position (GRCh38, 1-based): chr14:102,048,645, A>G. VCF-style: chr14-102048645-A-G. GRCh37 (hg19) VCF-style: chr14-102514982-A-G.
Other names: short protein forms T4450A.
Identifiers: ClinVar variation 3633437 (VCV003633437.2).